The following is an entry in ClinVar:

NM_003640.5(ELP1):c.2031G>C (p.Leu677=)

Gene: ELP1 (elongator acetyltransferase complex subunit 1; minus strand). Cytogenetic location: 9q31.3.
Variant type: single nucleotide variant.
Coding change: c.2031G>C on transcript NM_003640.5 (MANE Select); coding-DNA position 2031, G replaced by C.
Protein change: p.Leu677=; no amino-acid change (leucine 677 retained).
Molecular consequence: synonymous variant.
Genome position (GRCh38, 1-based): chr9:108,900,359, C>G on the plus strand (G>C on the coding strand, the complement: ELP1 is on the minus strand). VCF-style: chr9-108900359-C-G. GRCh37 (hg19) VCF-style: chr9-111662639-C-G.
Other names: c.1689G>C, p.Leu563= (NM_001318360.2); c.984G>C, p.Leu328= (NM_001330749.2).
Identifiers: ClinVar variation 1090671 (VCV001090671.16), dbSNP rs1315300646, ClinGen allele CA466674347.

ClinVar aggregate classification (germline): Likely benign. Review status: criteria provided, multiple submitters, no conflicts (2 of 4 stars). 3 submissions from 3 submitters: Likely benign (2). 1 of the submissions does not count toward it. Last evaluated 2026-01-03.

Conditions:
Familial dysautonomia. Also called: HSAN III; FD. Identifiers: Orphanet 1764, MedGen C0013364, MONDO:0009131, OMIM 223900. Disease mechanism: loss of function.

Allele frequency attached by ClinVar (database versions not stated): gnomAD 0.00001; gnomAD exomes 0.00001; TOPMed 0.00001.

Submissions (3):

Labcorp Genetics (formerly Invitae), Labcorp
Classification: Likely benign. Last evaluated: 2026-01-03. Review status: criteria provided, single submitter. Criteria: Invitae Variant Classification Sherloc (09022015). Collection method: clinical testing. Allele origin: germline.

CeGaT Center for Human Genetics Tuebingen
Classification: Likely benign. Last evaluated: 2025-11-01. Review status: criteria provided, single submitter. Criteria: CeGaT Center For Human Genetics Tuebingen Variant Classification Criteria Version 2. Collection method: clinical testing. Allele origin: germline. Affected: yes. Observed: 1 variant allele.
Comment: ELP1: BP4, BP7

Natera, Inc.
Classification: Likely benign for Familial dysautonomia. Last evaluated: 2018-05-19. Review status: no assertion criteria provided. Collection method: clinical testing. Allele origin: germline. Not counted in ClinVar's aggregate classification.